The following is an entry in ClinVar:

NM_000321.3(RB1):c.295_296dup (p.Trp99fs)

Gene: RB1 (RB transcriptional corepressor 1; plus strand). Cytogenetic location: 13q14.2.
Variant type: Microsatellite.
Coding change: c.295_296dup on transcript NM_000321.3 (MANE Select); coding-DNA positions 295 to 296, 2 bases duplicated (TG; older notation c.295_296dupTG).
Protein change: p.Trp99fs; shifts the reading frame from tryptophan 99.
Molecular consequence: frameshift variant.
Genome position (GRCh38, 1-based): chr13:48,342,629-48,342,630, TG duplicated; duplicating any 2 consecutive bases within chr13:48,342,627-48,342,630 gives the same sequence; the c. name uses the placement nearest the transcript's 3' end. VCF-style (leftmost placement, unchanged base first): chr13-48342626-C-CTG. GRCh37 (hg19) VCF-style: chr13-48916762-C-CTG.
Other names: short protein forms W99fs.
Identifiers: ClinVar variation 935505 (VCV000935505.1), dbSNP rs1952455844, ClinGen allele CA2089967394.
Genomic context (GRCh38, chr13:48,342,626, plus strand): 5'-ATGAAATATTTGATCTTTATTTTTTGTTCCCAGGGAGGTTATATTCAAAAGAAAAAGGAA[C>CTG]TGTGGGGAATCTGTATCTTTATTGCAGCAGTTGACCTAGATGAGATGTCGTTCACTTTTA-3'

ClinVar aggregate classification (germline): Pathogenic (1 of 4 stars; one submission).

Conditions:
Retinoblastoma (RB1). Also called: RETINOBLASTOMA, SOMATIC. Identifiers: Orphanet 790, MedGen C0035335, MeSH D012175, MONDO:0008380, OMIM 180200, HP:0009919. Disease mechanism: loss of function. Inheritance: Both sporadic and heritable forms are tested..

Submission:

Labcorp Genetics (formerly Invitae), Labcorp
Classification: Pathogenic for Retinoblastoma. Last evaluated: 2019-07-15. Review status: criteria provided, single submitter. Criteria: Invitae Variant Classification Sherloc (09022015). Collection method: clinical testing. Allele origin: germline.
Comment: This sequence change creates a premature translational stop signal (p.Trp99Cysfs*13) in the RB1 gene. It is expected to result in an absent or disrupted protein product. This variant is not present in population databases (ExAC no frequency). This variant has not been reported in the literature in individuals with RB1-related conditions. Loss-of-function variants in RB1 are known to be pathogenic (PMID: 17096365). For these reasons, this variant has been classified as Pathogenic.